The following is an entry in ClinVar:

ClinVar aggregate classification (germline): Benign/Likely benign. Review status: criteria provided, multiple submitters, no conflicts (2 of 4 stars). 4 submissions from 4 submitters: Benign (1); Likely benign (3). Last evaluated 2025-05-19.

Conditions:
Hereditary cancer-predisposing syndrome. Also called: Hereditary Cancer Syndrome; Tumor predisposition; Neoplastic Syndromes, Hereditary; Hereditary neoplastic syndrome. Identifiers: Orphanet 140162, MedGen C0027672, MeSH D009386, MONDO:0015356.
Tuberous sclerosis 2 (TSC2). Identifiers: Orphanet 805, MedGen C1860707, MONDO:0013199, OMIM 613254.

Submissions (4):

Myriad Genetics, Inc.
Classification: Benign for Tuberous sclerosis 2. Last evaluated: 2025-05-19. Review status: criteria provided, single submitter. Criteria: Myriad Autosomal Dominant, Autosomal Recessive and X-Linked Classification Criteria (2023). Collection method: clinical testing. Allele origin: unknown.
Comment: This variant is considered benign. This variant is a silent/synonymous amino acid change and it is not expected to impact splicing.

Ambry Genetics
Classification: Likely benign for Hereditary cancer-predisposing syndrome. Last evaluated: 2025-01-11. Review status: criteria provided, single submitter. Criteria: Ambry Variant Classification Scheme 2023. Collection method: clinical testing. Allele origin: germline.

Labcorp Genetics (formerly Invitae), Labcorp
Classification: Likely benign for Tuberous sclerosis 2. Last evaluated: 2023-09-14. Review status: criteria provided, single submitter. Criteria: Invitae Variant Classification Sherloc (09022015). Collection method: clinical testing. Allele origin: germline.

CeGaT Center for Human Genetics Tuebingen
Classification: Likely benign. Last evaluated: 2022-02-01. Review status: criteria provided, single submitter. Criteria: CeGaT Center For Human Genetics Tuebingen Variant Classification Criteria Version 2. Collection method: clinical testing. Allele origin: germline. Affected: yes. Observed: 1 variant allele.

NM_000548.5(TSC2):c.2271C>T (p.Phe757=)

Gene: TSC2 (TSC complex subunit 2; plus strand). Cytogenetic location: 16p13.3.
Variant type: single nucleotide variant.
Coding change: c.2271C>T on transcript NM_000548.5 (MANE Select); coding-DNA position 2271, C replaced by T.
Protein change: p.Phe757=; no amino-acid change (phenylalanine 757 retained).
Molecular consequence: synonymous variant.
Genome position (GRCh38, 1-based): chr16:2,072,899, C>T. VCF-style: chr16-2072899-C-T. GRCh37 (hg19) VCF-style: chr16-2122900-C-T.
Other names: c.2271C>T, p.Phe757= (NM_001077183.3, NM_001114382.3, NM_001363528.2 and 3 more transcripts); c.2160C>T, p.Phe720= (NM_001318827.2); c.2124C>T, p.Phe708= (NM_001318829.2); c.1671C>T, p.Phe557= (NM_001318831.2); c.2304C>T, p.Phe768= (NM_001318832.2).
Identifiers: ClinVar variation 536030 (VCV000536030.42), dbSNP rs1555506918, ClinGen allele CA492952482.